The following is an entry in ClinVar:

ClinVar aggregate classification (germline): Likely benign (0 of 4 stars; one submission).

Conditions:
Breast-ovarian cancer, familial, susceptibility to, 2 (BROVCA2). Also called: BRCA2 Hereditary Breast and Ovarian Cancer. Identifiers: Orphanet 145, MedGen C2675520, MONDO:0012933, OMIM 612555. Disease mechanism: loss of function.

Submission:

Department of Medical and Surgical Sciences, University of Bologna
Classification: Likely benign for Breast-ovarian cancer, familial, susceptibility to, 2. Last evaluated: 2023-09-01. Review status: no assertion criteria provided. Collection method: clinical testing. Allele origin: germline. Affected: yes.
Comment: BP1(Strong) according to ACMG/AMP classification guidelines specified for BRCA1 & BRCA2 (Classification Criteria V1.0.0 2023-09-08) (PMID: 38160042)

NM_000059.4(BRCA2):c.10226A>C (p.Gln3409Pro)

Gene: BRCA2 (BRCA2 DNA repair associated; plus strand). Cytogenetic location: 13q13.1.
Variant type: single nucleotide variant.
Coding change: c.10226A>C on transcript NM_000059.4 (MANE Select); coding-DNA position 10226, A replaced by C.
Protein change: p.Gln3409Pro; replaces glutamine 3409 with proline.
Molecular consequence: missense variant. On other transcripts: non-coding transcript variant (1).
Genome position (GRCh38, 1-based): chr13:32,398,739, A>C. VCF-style: chr13-32398739-A-C. GRCh37 (hg19) VCF-style: chr13-32972876-A-C.
Other names: c.10130A>C, p.Gln3377Pro (NM_001406719.1); c.10175A>C, p.Gln3392Pro (NM_001406720.1); c.5294A>C, p.Gln1765Pro (NM_001406721.1); c.3809A>C, p.Gln1270Pro (NM_001406722.1); short protein forms Q1270P, Q1765P, Q3377P, Q3392P, Q3409P.
Identifiers: ClinVar variation 2683807 (VCV002683807.1), dbSNP rs786203099, ClinGen allele CA387768549.